The following is an entry in ClinVar:

NM_000455.5(STK11):c.524_529del (p.Lys175_Asp176del)

Gene: STK11 (serine/threonine kinase 11; plus strand). Cytogenetic location: 19p13.3.
Variant type: Deletion.
Coding change: c.524_529del on transcript NM_000455.5 (MANE Select); coding-DNA positions 524 to 529, 6 bases deleted (AGGACA; older notation c.524_529delAGGACA).
Protein change: p.Lys175_Asp176del.
Molecular consequence: non-coding transcript variant (on NR_176325.1).
Genome position (GRCh38, 1-based): chr19:1,220,432-1,220,437, AGGACA deleted; deleting any 6 consecutive bases within chr19:1,220,429-1,220,437 gives the same sequence; the c. name uses the placement nearest the transcript's 3' end. VCF-style (leftmost placement, unchanged base first): chr19-1220428-CACAAGG-C. GRCh37 (hg19) VCF-style: chr19-1220427-CACAAGG-C.
Other names: c.524_529del, p.Lys175_Asp176del (NM_001407255.1).
Identifiers: ClinVar variation 3723209 (VCV003723209.2).

ClinVar aggregate classification (germline): Pathogenic (1 of 4 stars; one submission).

Conditions:
Peutz-Jeghers syndrome (PJS). Also called: POLYPOSIS, HAMARTOMATOUS INTESTINAL; POLYPS-AND-SPOTS SYNDROME; Peutz-Jeghers polyposis; Periorificial lentiginosis syndrome. Identifiers: Orphanet 2869, MedGen C0031269, MeSH D010580, MONDO:0008280, OMIM 175200.

Submission:

Labcorp Genetics (formerly Invitae), Labcorp
Classification: Pathogenic for Peutz-Jeghers syndrome. Last evaluated: 2024-03-25. Review status: criteria provided, single submitter. Criteria: Invitae Variant Classification Sherloc (09022015). Collection method: clinical testing. Allele origin: germline.
Comment: This variant, c.524_529del, results in the deletion of 2 amino acid(s) of the STK11 protein (p.Lys175_Asp176del), but otherwise preserves the integrity of the reading frame. This variant is not present in population databases (gnomAD no frequency). This variant has been observed in individual(s) with Peutz-Jeghers syndrome (PMID: 9809980). Algorithms developed to predict the effect of variants on protein structure and function are not available or were not evaluated for this variant. Experimental studies have shown that this variant affects STK11 function (PMID: 12552571). This variant disrupts a region of the STK11 protein in which other variant(s) (p.Asp176Asn) have been determined to be pathogenic (PMID: 9399902, 9837816, 10441497, 15987703, 17924967, 24604241, 24652667). This suggests that this is a clinically significant region of the protein, and that variants that disrupt it are likely to be disease-causing. For these reasons, this variant has been classified as Pathogenic.

Literature cited by the submitters: PubMed 9809980; PubMed 12552571; PubMed 9399902; PubMed 9837816; PubMed 10441497; PubMed 15987703; PubMed 17924967; PubMed 24604241; PubMed 24652667.